The following is an entry in ClinVar:

NM_001267550.2(TTN):c.23947G>A (p.Val7983Met)

Gene: TTN (titin; minus strand). Cytogenetic location: 2q31.2.
Variant type: single nucleotide variant.
Coding change: c.23947G>A on transcript NM_001267550.2 (MANE Select); coding-DNA position 23947, G replaced by A.
Protein change: p.Val7983Met; replaces valine 7983 with methionine.
Molecular consequence: missense variant. On other transcripts: intron variant (3).
Genome position (GRCh38, 1-based): chr2:178,719,443, C>T on the plus strand (G>A on the coding strand, the complement: TTN is on the minus strand). VCF-style: chr2-178719443-C-T. GRCh37 (hg19) VCF-style: chr2-179584170-C-T.
Other names: c.22996G>A, p.Val7666Met (NM_001256850.1); c.20215G>A, p.Val6739Met (NM_133378.4); c.13282+18639G>A (NM_003319.4); c.13858+18639G>A (NM_133437.4); c.13657+18639G>A (NM_133432.3); short protein forms V7983M, V6739M, V7666M.
Identifiers: ClinVar variation 405114 (VCV000405114.13), dbSNP rs1060500564, ClinGen allele CA16610504.

ClinVar aggregate classification (germline): Conflicting classifications of pathogenicity. Review status: criteria provided, conflicting classifications (1 of 4 stars). 4 submissions from 4 submitters: Uncertain significance (3); Likely benign (1). Last evaluated 2026-01-22.

Conditions:
TTN-related disorder. Also called: TTN-related disorders; TTN-related condition; TTN-related disease.
Autosomal recessive limb-girdle muscular dystrophy type 2J (LGMDR10). Also called: Limb-girdle muscular dystrophy, type 2J; MUSCULAR DYSTROPHY, LIMB-GIRDLE, AUTOSOMAL RECESSIVE 10. Identifiers: Orphanet 140922, MedGen C1837342, MONDO:0012127, OMIM 608807.
Dilated cardiomyopathy 1G (CMD1G). Identifiers: Orphanet 154, MedGen C1858763, MONDO:0011400, OMIM 604145.

Allele frequency attached by ClinVar (database versions not stated): gnomAD exomes below 0.00001.
gnomAD v4.1: 1 of 1,611,902 alleles (0.000062%); highest among the groups gnomAD compares: Non-Finnish European, 0.000085%; no homozygotes.

Submissions (4):

PreventionGenetics, part of Exact Sciences
Classification: Uncertain significance for TTN-related condition. Last evaluated: 2026-01-22. Review status: criteria provided, single submitter. Criteria: ACMG Guidelines, 2015. Collection method: clinical testing. Allele origin: germline.
Comment: The TTN c.23947G>A variant is predicted to result in the amino acid substitution p.Val7983Met. To our knowledge, this variant has not been reported in the literature or in a large population database (gnomAD), indicating this variant is rare. At this time, the clinical significance of this variant is uncertain due to the absence of conclusive functional and genetic evidence.

Blueprint Genetics
Classification: Likely benign. Last evaluated: 2022-01-25. Review status: criteria provided, single submitter. Criteria: ACMG Guidelines, 2015. Collection method: clinical testing. Allele origin: germline.

ARUP Laboratories, Molecular Genetics and Genomics, ARUP Laboratories
Classification: Uncertain significance. Last evaluated: 2019-03-01. Review status: criteria provided, single submitter. Criteria: ARUP Molecular Germline Variant Investigation Process. Collection method: clinical testing. Allele origin: germline.
Comment: The TTN c.20215G>A; p.Val6739Met variant (ClinVar Variation ID: 405114) is rare in the general population (<1% allele frequency in the Genome Aggregation Database) and has not been reported in the medical literature in association with dilated cardiomyopathy (DCM) or other TTN-related disease. The clinical relevance of rare missense variants in this gene, which are identified on average once per individual sequenced in affected populations (Herman 2012), is not well understood. Yet, evidence suggests that the vast majority of such missense variants do not contribute to the clinical outcome of DCM (Begay 2015). Thus, the clinical significance of the p.Val6739Met variant cannot be determined with certainty.

Labcorp Genetics (formerly Invitae), Labcorp
Classification: Uncertain significance for Dilated cardiomyopathy 1G; Autosomal recessive limb-girdle muscular dystrophy type 2J. Last evaluated: 2016-10-31. Review status: criteria provided, single submitter. Criteria: Invitae Variant Classification Sherloc (09022015). Collection method: clinical testing. Allele origin: germline.